The following is an entry in ClinVar:

ClinVar aggregate classification (germline): Likely benign. Review status: criteria provided, single submitter (1 of 4 stars). 2 submissions from 2 submitters: Likely benign (1). 1 of the submissions does not count toward it. Last evaluated 2026-01-28.

Conditions:
DLST-related disorder. Also called: DLST-related condition.

Allele frequency attached by ClinVar (database versions not stated): ExAC 0.00019; TOPMed 0.00022; gnomAD 0.00023; ESP Exome Variant Server 0.00031.
gnomAD v4.1: 330 of 1,558,652 alleles (0.021%); highest among the groups gnomAD compares: Non-Finnish European, 0.025%; no homozygotes.

Submissions (2):

Labcorp Genetics (formerly Invitae), Labcorp
Classification: Likely benign. Last evaluated: 2026-01-28. Review status: criteria provided, single submitter. Criteria: Invitae Variant Classification Sherloc (09022015). Collection method: clinical testing. Allele origin: germline.

PreventionGenetics, part of Exact Sciences
Classification: Likely benign for DLST-related condition. Last evaluated: 2019-06-24. Review status: no assertion criteria provided. Collection method: clinical testing. Allele origin: germline. Not counted in ClinVar's aggregate classification.
Comment: This variant is classified as likely benign based on ACMG/AMP sequence variant interpretation guidelines (Richards et al. 2015 PMID: 25741868, with internal and published modifications).

NM_001933.5(DLST):c.12A>G (p.Arg4=)

Gene: DLST (dihydrolipoamide S-succinyltransferase; plus strand). Cytogenetic location: 14q24.3.
Variant type: single nucleotide variant.
Coding change: c.12A>G on transcript NM_001933.5 (MANE Select); coding-DNA position 12, A replaced by G.
Protein change: p.Arg4=; no amino-acid change (arginine 4 retained).
Molecular consequence: synonymous variant. On other transcripts: non-coding transcript variant (2).
Genome position (GRCh38, 1-based): chr14:74,881,965, A>G. VCF-style: chr14-74881965-A-G. GRCh37 (hg19) VCF-style: chr14-75348668-A-G.
Other names: c.12A>G (NM_001933.4); c.12A>G, p.Arg4= (NM_001244883.2).
Identifiers: ClinVar variation 2714996 (VCV002714996.5), dbSNP rs373129809, ClinGen allele CA7273253.